The following is an entry in ClinVar:

NM_000166.6(GJB1):c.11_31del (p.Thr4_Leu10del)

Gene: GJB1 (gap junction protein beta 1; plus strand). Cytogenetic location: Xq13.1.
Variant type: Deletion.
Coding change: c.11_31del on transcript NM_000166.6 (MANE Select); coding-DNA positions 11 to 31, 21 bases deleted (CAGGTTTGTACACCTTGCTCA).
Protein change: p.Thr4_Leu10del.
Genome position (GRCh38, 1-based): chrX:71,223,718-71,223,738, CAGGTTTGTACACCTTGCTCA deleted; deleting any 21 consecutive bases within chrX:71,223,717-71,223,738 gives the same sequence; the c. name uses the placement nearest the transcript's 3' end. VCF-style (leftmost placement, unchanged base first): chrX-71223716-GACAGGTTTGTACACCTTGCTC-G. GRCh37 (hg19) VCF-style: chrX-70443566-GACAGGTTTGTACACCTTGCTC-G.
Other names: c.11_31del, p.Thr4_Leu10del (NM_001097642.3).
Identifiers: ClinVar variation 3715601 (VCV003715601.2).

ClinVar aggregate classification (germline): Uncertain significance (1 of 4 stars; one submission).

Conditions:
Charcot-Marie-Tooth Neuropathy X. Identifiers: MedGen CN118851.

Submission:

Labcorp Genetics (formerly Invitae), Labcorp
Classification: Uncertain significance for Charcot-Marie-Tooth Neuropathy X. Last evaluated: 2024-09-12. Review status: criteria provided, single submitter. Criteria: Invitae Variant Classification Sherloc (09022015). Collection method: clinical testing. Allele origin: germline.
Comment: This variant, c.11_31del, results in the deletion of 7 amino acid(s) of the GJB1 protein (p.Thr4_Leu10del), but otherwise preserves the integrity of the reading frame. This variant is not present in population databases (gnomAD no frequency). This variant has not been reported in the literature in individuals affected with GJB1-related conditions. Experimental studies and prediction algorithms are not available or were not evaluated, and the functional significance of this variant is currently unknown. This variant disrupts a region of the GJB1 protein in which other variant(s) (Leu6Ser) have been observed in individuals with GJB1-related conditions (PMID: 27844031; internal data). This suggests that this is a clinically significant region of the protein, and that variants that disrupt it are likely to be disease-causing. In summary, the available evidence is currently insufficient to determine the role of this variant in disease. Therefore, it has been classified as a Variant of Uncertain Significance.

Literature cited by the submitters: PubMed 27844031.